The following is an entry in ClinVar:

ClinVar aggregate classification (germline): Uncertain significance (1 of 4 stars; one submission).

Conditions:
ALG6-congenital disorder of glycosylation 1C (CDG1C). Also called: CARBOHYDRATE-DEFICIENT GLYCOPROTEIN SYNDROME, TYPE I, WITH DEFICIENT GLYCOSYLATION OF DOLICHOL-LINKED OLIGOSACCHARIDE; CARBOHYDRATE-DEFICIENT GLYCOPROTEIN SYNDROME, TYPE V; Congenital disorder of glycosylation type 1C; Congenital disorder of glycosylation, type Ic; CDG Ic. Identifiers: Orphanet 79320, MedGen C2930997, MONDO:0011291, OMIM 603147.

Allele frequency attached by ClinVar (database versions not stated): gnomAD exomes below 0.00001; TOPMed below 0.00001; ExAC 0.00001; gnomAD 0.00001.
gnomAD v4.1: 8 of 1,609,480 alleles (0.0005%); highest among the groups gnomAD compares: Non-Finnish European, 0.00068%; no homozygotes.

Submission:

Labcorp Genetics (formerly Invitae), Labcorp
Classification: Uncertain significance for ALG6-congenital disorder of glycosylation 1C. Last evaluated: 2022-08-03. Review status: criteria provided, single submitter. Criteria: Invitae Variant Classification Sherloc (09022015). Collection method: clinical testing. Allele origin: germline.
Comment: This sequence change replaces histidine, which is basic and polar, with arginine, which is basic and polar, at codon 344 of the ALG6 protein (p.His344Arg). This variant is present in population databases (rs759123745, gnomAD 0.002%). This variant has not been reported in the literature in individuals affected with ALG6-related conditions. Algorithms developed to predict the effect of missense changes on protein structure and function (SIFT, PolyPhen-2, Align-GVGD) all suggest that this variant is likely to be disruptive. Algorithms developed to predict the effect of sequence changes on RNA splicing suggest that this variant may create or strengthen a splice site. In summary, the available evidence is currently insufficient to determine the role of this variant in disease. Therefore, it has been classified as a Variant of Uncertain Significance.

NM_013339.4(ALG6):c.1031A>G (p.His344Arg)

Gene: ALG6 (ALG6 alpha-1,3-glucosyltransferase; plus strand). Cytogenetic location: 1p31.3.
Variant type: single nucleotide variant.
Coding change: c.1031A>G on transcript NM_013339.4 (MANE Select); coding-DNA position 1031, A replaced by G.
Protein change: p.His344Arg; replaces histidine 344 with arginine.
Molecular consequence: missense variant.
Genome position (GRCh38, 1-based): chr1:63,419,413, A>G. VCF-style: chr1-63419413-A-G. GRCh37 (hg19) VCF-style: chr1-63885084-A-G.
Other names: short protein forms H344R.
Identifiers: ClinVar variation 2173966 (VCV002173966.1), dbSNP rs759123745, ClinGen allele CA888348.